The following is an entry in ClinVar:

NM_003919.3(SGCE):c.662+99G>T

Genes: CASD1 (CAS1 domain containing 1; plus strand), SGCE (sarcoglycan epsilon; minus strand). Cytogenetic location: 7q21.3.
Variant type: single nucleotide variant.
Coding change: c.662+99G>T on transcript NM_003919.3 (MANE Select); 99 bases into the intron after coding-DNA position 662, G replaced by T.
Molecular consequence: intron variant.
Genome position (GRCh38, 1-based): chr7:94,618,659, C>A on the plus strand (G>T on the coding strand, the complement: SGCE is on the minus strand). VCF-style: chr7-94618659-C-A. GRCh37 (hg19) VCF-style: chr7-94247971-C-A.
Other names: c.539+99G>T (NM_001362809.2, NM_001301139.2); c.662+99G>T (NM_001346717.2, NM_001099400.2, NM_001099401.2); c.770+99G>T (NM_001346715.2, NM_001346713.2); c.575+99G>T (NM_001362807.2, NM_001346719.2); c.389+99G>T (NM_001362808.2, NM_001346720.2).
Identifiers: ClinVar variation 1295524 (VCV001295524.5), dbSNP rs6465421, ClinGen allele CA12674255.

ClinVar aggregate classification (germline): Benign. Review status: criteria provided, multiple submitters, no conflicts (2 of 4 stars). 3 submissions from 3 submitters: Benign (3). Last evaluated 2024-07-31.

Allele frequency attached by ClinVar (database versions not stated): TOPMed 0.78393; 1000 Genomes Project 0.76298; 1000 Genomes Project 30x 0.76577.
gnomAD v4.1: 704,781 of 973,460 alleles (72%); highest among the groups gnomAD compares: African/African-American, 92%; 257,467 homozygotes.

Submissions (3):

Unidad de Genómica Garrahan, Hospital de Pediatría Garrahan
Classification: Benign. Last evaluated: 2024-07-31. Review status: criteria provided, single submitter. Criteria: ACMG Guidelines, 2015. Collection method: clinical testing. Allele origin: germline. Affected: no. Observed: 54 variant alleles.
Comment: This variant is classified as Benign based on local population frequency. This variant was detected in 58% of patients studied in a panel designed for Epileptic and Developmental Encephalopathy, Progressive Myoclonus Epilepsy and Abnormal Movements and Neurodegeneration with brain iron accumulation. Number of patients: 54. Only high quality variants are reported.

GeneDx
Classification: Benign. Last evaluated: 2018-07-09. Review status: criteria provided, single submitter. Criteria: GeneDx Variant Classification Process June 2021. Collection method: clinical testing. Allele origin: germline. Affected: yes.

Breakthrough Genomics
Classification: Benign. Review status: criteria provided, single submitter. Criteria: ACMG Guidelines, 2015. Collection method: not provided. Allele origin: germline. Inheritance: Autosomal dominant inheritance. Affected: yes.